The following is an entry in ClinVar:

ClinVar aggregate classification (germline): Uncertain significance (1 of 4 stars; one submission).

Allele frequency attached by ClinVar (database versions not stated): gnomAD exomes 0.00002; TOPMed 0.00002; gnomAD 0.00003.
gnomAD v4.1: 27 of 1,614,098 alleles (0.0017%); highest among the groups gnomAD compares: Middle Eastern, 0.016%; no homozygotes.

Submission:

Labcorp Genetics (formerly Invitae), Labcorp
Classification: Uncertain significance. Last evaluated: 2024-10-22. Review status: criteria provided, single submitter. Criteria: Invitae Variant Classification Sherloc (09022015). Collection method: clinical testing. Allele origin: germline.
Comment: This sequence change replaces alanine, which is neutral and non-polar, with valine, which is neutral and non-polar, at codon 885 of the ALPK1 protein (p.Ala885Val). This variant is present in population databases (no rsID available, gnomAD 0.003%). This variant has not been reported in the literature in individuals affected with ALPK1-related conditions. ClinVar contains an entry for this variant (Variation ID: 1952100). Invitae Evidence Modeling of protein sequence and biophysical properties (such as structural, functional, and spatial information, amino acid conservation, physicochemical variation, residue mobility, and thermodynamic stability) indicates that this missense variant is not expected to disrupt ALPK1 protein function with a negative predictive value of 80%. In summary, the available evidence is currently insufficient to determine the role of this variant in disease. Therefore, it has been classified as a Variant of Uncertain Significance.

NM_025144.4(ALPK1):c.2654C>T (p.Ala885Val)

Gene: ALPK1 (alpha kinase 1; plus strand). Cytogenetic location: 4q25.
Variant type: single nucleotide variant.
Coding change: c.2654C>T on transcript NM_025144.4 (MANE Select); coding-DNA position 2654, C replaced by T.
Protein change: p.Ala885Val; replaces alanine 885 with valine.
Molecular consequence: missense variant.
Genome position (GRCh38, 1-based): chr4:112,432,201, C>T. VCF-style: chr4-112432201-C-T. GRCh37 (hg19) VCF-style: chr4-113353357-C-T.
Other names: c.2654C>T, p.Ala885Val (NM_001102406.2); c.2420C>T, p.Ala807Val (NM_001253884.2); short protein forms A807V, A885V.
Identifiers: ClinVar variation 1952100 (VCV001952100.5), dbSNP rs1253598326, ClinGen allele CA357901248.